The following is an entry in ClinVar:

NM_020937.4(FANCM):c.685G>T (p.Val229Leu)

Gene: FANCM (FA complementation group M; plus strand). Cytogenetic location: 14q21.2.
Variant type: single nucleotide variant.
Coding change: c.685G>T on transcript NM_020937.4 (MANE Select); coding-DNA position 685, G replaced by T.
Protein change: p.Val229Leu; replaces valine 229 with leucine.
Molecular consequence: missense variant. On other transcripts: intron variant (1).
Genome position (GRCh38, 1-based): chr14:45,140,635, G>T. VCF-style: chr14-45140635-G-T. GRCh37 (hg19) VCF-style: chr14-45609838-G-T.
Other names: c.685G>T, p.Val229Leu (NM_001308134.2); c.681+3394G>T (NM_001308133.2); c.685G>T (NM_020937.3); short protein forms V229L.
Identifiers: ClinVar variation 862115 (VCV000862115.12), dbSNP rs572322789, ClinGen allele CA7168834.

ClinVar aggregate classification (germline): Uncertain significance. Review status: criteria provided, multiple submitters, no conflicts (2 of 4 stars). 3 submissions from 3 submitters: Uncertain significance (3). Last evaluated 2024-06-03.

Conditions:
Fanconi anemia (FA). Also called: Fanconi's anemia. Identifiers: Orphanet 84, MedGen C0015625, MeSH D005199, MONDO:0019391.

Allele frequency attached by ClinVar (database versions not stated): ExAC 0.00001; gnomAD 0.00004 and 0.00003; TOPMed 0.00006; gnomAD exomes 0.00001 and 0.00002; 1000 Genomes Project 30x 0.00016; 1000 Genomes Project 0.00020.
gnomAD v4.1: 15 of 1,578,902 alleles (0.00095%); highest among the groups gnomAD compares: African/African-American, 0.013%; no homozygotes.

Submissions (3):

Labcorp Genetics (formerly Invitae), Labcorp
Classification: Uncertain significance for Fanconi anemia. Last evaluated: 2024-06-03. Review status: criteria provided, single submitter. Criteria: Invitae Variant Classification Sherloc (09022015). Collection method: clinical testing. Allele origin: germline.
Comment: This sequence change replaces valine, which is neutral and non-polar, with leucine, which is neutral and non-polar, at codon 229 of the FANCM protein (p.Val229Leu). This variant is present in population databases (rs572322789, gnomAD 0.02%). This variant has not been reported in the literature in individuals affected with FANCM-related conditions. ClinVar contains an entry for this variant (Variation ID: 862115). An algorithm developed to predict the effect of missense changes on protein structure and function (PolyPhen-2) suggests that this variant is likely to be tolerated. In summary, the available evidence is currently insufficient to determine the role of this variant in disease. Therefore, it has been classified as a Variant of Uncertain Significance.

Quest Diagnostics Nichols Institute San Juan Capistrano
Classification: Uncertain significance. Last evaluated: 2024-03-27. Review status: criteria provided, single submitter. Criteria: Quest Diagnostics criteria. Collection method: clinical testing. Allele origin: unknown.
Comment: The FANCM c.685G>T (p.Val229Leu) variant has not been reported in individuals with FANCM-related conditions in the published literature. The frequency of this variant in the general population, 0.0002 (5/24908 chromosomes (Genome Aggregation Database)), is uninformative in the assessment of its pathogenicity. Analysis of this variant using bioinformatics tools for the prediction of the effect of amino acid changes on protein structure and function yielded predictions that this variant is benign. Based on the available information, we are unable to determine the clinical significance of this variant.

GeneDx
Classification: Uncertain significance. Last evaluated: 2022-04-25. Review status: criteria provided, single submitter. Criteria: GeneDx Variant Classification Process June 2021. Collection method: clinical testing. Allele origin: germline. Affected: yes.
Comment: Not observed at significant frequency in large population cohorts (gnomAD); In silico analysis supports that this missense variant does not alter protein structure/function; Has not been previously published as pathogenic or benign to our knowledge